The following is an entry in ClinVar:

ClinVar aggregate classification (germline): Pathogenic/Likely pathogenic. Review status: criteria provided, multiple submitters, no conflicts (2 of 4 stars). 3 submissions from 3 submitters: Pathogenic (1); Likely pathogenic (2). Last evaluated 2023-03-11.

Conditions:
Bardet-Biedl syndrome 12 (BBS12). Identifiers: Orphanet 110, MedGen C1859570, MONDO:0014440, OMIM 615989.
BBS12-related disorder. Also called: BBS12-related condition.
Bardet-Biedl syndrome (BBS). Identifiers: Orphanet 110, MedGen C0752166, MONDO:0015229.

Submissions (3):

Baylor Genetics
Classification: Likely pathogenic for Bardet-Biedl syndrome 12. Last evaluated: 2023-03-11. Review status: criteria provided, single submitter. Criteria: ACMG Guidelines, 2015. Collection method: clinical testing. Allele origin: unknown.

Labcorp Genetics (formerly Invitae), Labcorp
Classification: Pathogenic for Bardet-Biedl syndrome. Last evaluated: 2023-03-04. Review status: criteria provided, single submitter. Criteria: Invitae Variant Classification Sherloc (09022015). Collection method: clinical testing. Allele origin: germline.
Comment: For these reasons, this variant has been classified as Pathogenic. This variant disrupts a region of the BBS12 protein in which other variant(s) (p.Asp687Valfs*3) have been determined to be pathogenic (Invitae). This suggests that this is a clinically significant region of the protein, and that variants that disrupt it are likely to be disease-causing. ClinVar contains an entry for this variant (Variation ID: 1069940). This variant has not been reported in the literature in individuals affected with BBS12-related conditions. This variant is not present in population databases (gnomAD no frequency). This sequence change creates a premature translational stop signal (p.Gln685*) in the BBS12 gene. While this is not anticipated to result in nonsense mediated decay, it is expected to disrupt the last 26 amino acid(s) of the BBS12 protein.

Blueprint Genetics
Classification: Likely pathogenic for BBS12-related disorders. Last evaluated: 2018-12-04. Review status: criteria provided, single submitter. Criteria: ACMG Guidelines, 2015. Collection method: clinical testing. Allele origin: germline. Affected: yes. Observed: 2 variant alleles.

NM_152618.3(BBS12):c.2053C>T (p.Gln685Ter)

Gene: BBS12 (Bardet-Biedl syndrome 12; plus strand). Cytogenetic location: 4q27.
Variant type: single nucleotide variant.
Coding change: c.2053C>T on transcript NM_152618.3 (MANE Select); coding-DNA position 2053, C replaced by T.
Protein change: p.Gln685Ter; replaces glutamine 685 with a stop codon.
Molecular consequence: nonsense.
Genome position (GRCh38, 1-based): chr4:122,743,945, C>T. VCF-style: chr4-122743945-C-T. GRCh37 (hg19) VCF-style: chr4-123665100-C-T.
Other names: c.2053C>T, p.Gln685Ter (NM_001178007.2); short protein forms Q685*.
Identifiers: ClinVar variation 1069940 (VCV001069940.7), dbSNP rs746020725, ClinGen allele CA358226456.
Genomic context (GRCh38, chr4:122,743,945, plus strand): 5'-GTTGTTACACCAAAGATTGAGGCGTGGCGCCGAGCATTGGATTTAGTATTGTTAGTACTT[C>T]AGACAGACAGTGAAATAATTACTGGACATGGACACACACAGATAAATTCACAGGAATTAA-3'